The following is an entry in ClinVar:

ClinVar aggregate classification (germline): Uncertain significance. Review status: criteria provided, multiple submitters, no conflicts (2 of 4 stars). 2 submissions from 2 submitters: Uncertain significance (2). Last evaluated 2025-06-18.

Conditions:
Inborn genetic diseases. Identifiers: MedGen C0950123, MeSH D030342.
Zellweger spectrum disorders (ZS). Also called: Zellweger Spectrum Disorder; Zellweger Spectrum; Zellweger Spectrum Disorder (ZSD); Zellweger syndrome. Identifiers: Orphanet 912, MedGen C0043459, MONDO:0019609.

Allele frequency attached by ClinVar (database versions not stated): gnomAD 0.00001; ExAC 0.00002; gnomAD exomes 0.00002.
gnomAD v4.1: 29 of 1,599,892 alleles (0.0018%); highest among the groups gnomAD compares: South Asian, 0.031%; no homozygotes.

Submissions (2):

Ambry Genetics
Classification: Uncertain significance for Inborn genetic diseases. Last evaluated: 2025-06-18. Review status: criteria provided, single submitter. Criteria: Ambry Variant Classification Scheme 2023. Collection method: clinical testing. Allele origin: germline.

Labcorp Genetics (formerly Invitae), Labcorp
Classification: Uncertain significance for Zellweger spectrum disorders. Last evaluated: 2021-08-20. Review status: criteria provided, single submitter. Criteria: Invitae Variant Classification Sherloc (09022015). Collection method: clinical testing. Allele origin: germline.
Comment: This sequence change replaces glutamine with leucine at codon 448 of the PEX1 protein (p.Gln448Leu). The glutamine residue is moderately conserved and there is a moderate physicochemical difference between glutamine and leucine. This variant is present in population databases (rs774317392, ExAC 0.01%). This variant has not been reported in the literature in individuals affected with PEX1-related conditions. Algorithms developed to predict the effect of missense changes on protein structure and function (SIFT, PolyPhen-2, Align-GVGD) all suggest that this variant is likely to be tolerated. In summary, the available evidence is currently insufficient to determine the role of this variant in disease. Therefore, it has been classified as a Variant of Uncertain Significance.

NM_000466.3(PEX1):c.1343A>T (p.Gln448Leu)

Gene: PEX1 (peroxisomal biogenesis factor 1; minus strand). Cytogenetic location: 7q21.2.
Variant type: single nucleotide variant.
Coding change: c.1343A>T on transcript NM_000466.3 (MANE Select); coding-DNA position 1343, A replaced by T.
Protein change: p.Gln448Leu; replaces glutamine 448 with leucine.
Molecular consequence: missense variant.
Genome position (GRCh38, 1-based): chr7:92,513,864, T>A on the plus strand (A>T on the coding strand, the complement: PEX1 is on the minus strand). VCF-style: chr7-92513864-T-A. GRCh37 (hg19) VCF-style: chr7-92143178-T-A.
Other names: c.1343A>T (NM_000466.2); c.1343A>T, p.Gln448Leu (NM_001282677.2); c.719A>T, p.Gln240Leu (NM_001282678.2); short protein forms Q240L, Q448L.
Identifiers: ClinVar variation 2176577 (VCV002176577.2), dbSNP rs774317392, ClinGen allele CA4341435.